The following is an entry in ClinVar:

NM_007294.4(BRCA1):c.3398T>C (p.Leu1133Ser)

Genes: BRCA1 (BRCA1 DNA repair associated; minus strand), LOC126862571 (BRD4-independent group 4 enhancer GRCh37_chr17:41243136-41244335; plus strand). Cytogenetic location: 17q21.31.
Variant type: single nucleotide variant.
Coding change: c.3398T>C on transcript NM_007294.4 (MANE Select); coding-DNA position 3398, T replaced by C.
Protein change: p.Leu1133Ser; replaces leucine 1133 with serine.
Molecular consequence: missense variant. On other transcripts: intron variant (135).
Genome position (GRCh38, 1-based): chr17:43,092,133, A>G on the plus strand (T>C on the coding strand, the complement: BRCA1 is on the minus strand). VCF-style: chr17-43092133-A-G. GRCh37 (hg19) VCF-style: chr17-41244150-A-G.
Other names: c.3398T>C, p.Leu1133Ser (NM_001407616.1, NM_001407617.1, NM_001407618.1 and 30 more transcripts); c.3395T>C, p.Leu1132Ser (NM_001407627.1, NM_001407628.1, NM_001407629.1 and 22 more transcripts); c.3389T>C, p.Leu1130Ser (NM_001407646.1, NM_001407647.1); c.3275T>C, p.Leu1092Ser (NM_001407648.1, NM_001407664.1, NM_001407665.1 and 19 more transcripts); c.3272T>C, p.Leu1091Ser (NM_001407649.1, NM_001407670.1, NM_001407671.1 and 11 more transcripts); c.3320T>C, p.Leu1107Ser (NM_001407653.1, NM_001407654.1, NM_001407655.1 and 4 more transcripts); c.3317T>C, p.Leu1106Ser (NM_001407659.1, NM_001407660.1, NM_001407661.1 and 1 more transcripts); c.3257T>C, p.Leu1086Ser (NM_001407692.1, NM_001407694.1, NM_001407695.1 and 29 more transcripts); and 41 more; short protein forms L1133S, L1086S, L1021S, L1022S, L1065S, L1132S, L265S, L1044S.
Identifiers: ClinVar variation 230481 (VCV000230481.13), dbSNP rs80356971, ClinGen allele CA10580563.

ClinVar aggregate classification (germline): Conflicting classifications of pathogenicity. Review status: criteria provided, conflicting classifications (1 of 4 stars). 4 submissions from 4 submitters: Uncertain significance (3); Likely benign (1). Last evaluated 2023-03-23.

Conditions:
Hereditary cancer-predisposing syndrome. Also called: Neoplastic Syndromes, Hereditary; Tumor predisposition; Hereditary Cancer Syndrome; Hereditary neoplastic syndrome. Identifiers: Orphanet 140162, MedGen C0027672, MeSH D009386, MONDO:0015356.
Hereditary breast ovarian cancer syndrome. Also called: BRCA1- and BRCA2-Associated Hereditary Breast and Ovarian Cancer; Hereditary breast and ovarian cancer syndrome; Hereditary breast and ovarian cancer; Hereditary breast and ovarian cancer syndrome (HBOC); Breast and ovarian cancer; Hereditary breast and/or ovarian cancer syndrome. Identifiers: Orphanet 145, MedGen C0677776, MeSH D061325, MONDO:0003582. Disease mechanism: loss of function.

Submissions (4):

University of Washington Department of Laboratory Medicine, University of Washington
Classification: Likely benign for Hereditary cancer-predisposing syndrome. Last evaluated: 2023-03-23. Review status: criteria provided, single submitter. Criteria: Dines et al. (Genet Med. 2020). Collection method: curation. Allele origin: germline.
Comment: Missense variant in a coldspot region where missense variants are very unlikely to be pathogenic (PMID:31911673).

BRCA1 coldspot (exon 11 using historical exon numbering). Reclassification based on statistical prior probability

Labcorp Genetics (formerly Invitae), Labcorp
Classification: Uncertain significance for Hereditary breast ovarian cancer syndrome. Last evaluated: 2023-02-10. Review status: criteria provided, single submitter. Criteria: Invitae Variant Classification Sherloc (09022015). Collection method: clinical testing. Allele origin: germline.
Comment: This sequence change replaces leucine, which is neutral and non-polar, with serine, which is neutral and polar, at codon 1133 of the BRCA1 protein (p.Leu1133Ser). This variant is not present in population databases (gnomAD no frequency). In summary, the available evidence is currently insufficient to determine the role of this variant in disease. Therefore, it has been classified as a Variant of Uncertain Significance. Advanced modeling of protein sequence and biophysical properties (such as structural, functional, and spatial information, amino acid conservation, physicochemical variation, residue mobility, and thermodynamic stability) performed at Invitae indicates that this missense variant is not expected to disrupt BRCA1 protein function. ClinVar contains an entry for this variant (Variation ID: 230481). This variant has not been reported in the literature in individuals affected with BRCA1-related conditions.

Sema4
Classification: Uncertain significance for Hereditary cancer-predisposing syndrome. Last evaluated: 2021-05-18. Review status: criteria provided, single submitter. Criteria: Sema4 Curation Guidelines. Collection method: curation. Allele origin: germline.
Comment: The BRCA1 c.3398T>C (p.L1133S) variant has not been reported in the literature to our knowledge. It was not observed in the large and broad cohorts of the Genome Aggregation Database. The variant has been reported in ClinVar (Variation ID 230481). This variant involves a moderately conserved amino acid, and computational analyses suggest that the variant does not impact the function of protein, though these predictions have not been confirmed by published functional studies. The evidence is insufficient to meet ACMG/AMP criteria for classifying the variant as benign or pathogenic. Thus, the clinical significance of this variant is currently uncertain.

Ambry Genetics
Classification: Uncertain significance for Hereditary cancer-predisposing syndrome. Last evaluated: 2021-04-01. Review status: criteria provided, single submitter. Criteria: Ambry Variant Classification Scheme 2023. Collection method: clinical testing. Allele origin: germline.
Comment: The p.L1133S variant (also known as c.3398T>C), located in coding exon 9 of the BRCA1 gene, results from a T to C substitution at nucleotide position 3398. The leucine at codon 1133 is replaced by serine, an amino acid with dissimilar properties. This amino acid position is not well conserved in available vertebrate species. In addition, the in silico prediction for this alteration is inconclusive. Since supporting evidence is limited at this time, the clinical significance of this alteration remains unclear.